The following is an entry in ClinVar:

ClinVar aggregate classification (germline): Benign. Review status: criteria provided, multiple submitters, no conflicts (2 of 4 stars). 3 submissions from 3 submitters: Benign (2). 1 of the submissions does not count toward it. Last evaluated 2018-06-05.

Conditions:
MEI1-related disorder. Also called: MEI1-related condition.

Allele frequency attached by ClinVar (database versions not stated): gnomAD exomes 0.00151 and 0.00330; ExAC 0.00649; 1000 Genomes Project 0.01318; 1000 Genomes Project 30x 0.01390; gnomAD 0.01504 and 0.01634; ESP Exome Variant Server 0.01526; TOPMed 0.01717.
gnomAD v4.1: 4,557 of 1,608,566 alleles (0.28%); highest among the groups gnomAD compares: African/African-American, 5.5%; 141 homozygotes.

Submissions (3):

Labcorp Genetics (formerly Invitae), Labcorp
Classification: Benign. Last evaluated: 2018-06-05. Review status: criteria provided, single submitter. Criteria: Invitae Variant Classification Sherloc (09022015). Collection method: clinical testing. Allele origin: germline.

Breakthrough Genomics
Classification: Benign. Review status: criteria provided, single submitter. Criteria: ACMG Guidelines, 2015. Collection method: not provided. Allele origin: germline. Inheritance: Autosomal recessive inheritance. Affected: yes.

PreventionGenetics, part of Exact Sciences
Classification: Benign for MEI1-related condition. Last evaluated: 2019-03-11. Review status: no assertion criteria provided. Collection method: clinical testing. Allele origin: germline. Not counted in ClinVar's aggregate classification.
Comment: This variant is classified as benign based on ACMG/AMP sequence variant interpretation guidelines (Richards et al. 2015 PMID: 25741868, with internal and published modifications).

NM_152513.4(MEI1):c.2778A>G (p.Gln926=)

Gene: MEI1 (meiotic double-stranded break formation protein 1; plus strand). Cytogenetic location: 22q13.2.
Variant type: single nucleotide variant.
Coding change: c.2778A>G on transcript NM_152513.4 (MANE Select); coding-DNA position 2778, A replaced by G.
Protein change: p.Gln926=; no amino-acid change (glutamine 926 retained).
Molecular consequence: synonymous variant.
Genome position (GRCh38, 1-based): chr22:41,778,775, A>G. VCF-style: chr22-41778775-A-G. GRCh37 (hg19) VCF-style: chr22-42174779-A-G.
Identifiers: ClinVar variation 791463 (VCV000791463.6), dbSNP rs61737655, ClinGen allele CA10260626.